The following is an entry in ClinVar:

ClinVar aggregate classification (germline): Uncertain significance. Review status: criteria provided, single submitter (1 of 4 stars). 2 submissions from 2 submitters: Uncertain significance (1). 1 of the submissions does not count toward it. Last evaluated 2024-12-14.

Conditions:
Fanconi anemia (FA). Also called: Fanconi's anemia. Identifiers: Orphanet 84, MedGen C0015625, MeSH D005199, MONDO:0019391.
Inborn genetic diseases. Identifiers: MedGen C0950123, MeSH D030342.

Submissions (2):

Ambry Genetics
Classification: Uncertain significance for Inborn genetic diseases. Last evaluated: 2024-12-14. Review status: criteria provided, single submitter. Criteria: Ambry Variant Classification Scheme 2023. Collection method: clinical testing. Allele origin: germline.
Comment: The p.G16V variant (also known as c.47G>T), located in coding exon 1 of the FANCA gene, results from a G to T substitution at nucleotide position 47. The glycine at codon 16 is replaced by valine, an amino acid with dissimilar properties. This amino acid position is conserved. In addition, this alteration is predicted to be tolerated by in silico analysis. Based on the available evidence, the clinical significance of this variant remains unclear.

Natera, Inc.
Classification: Uncertain significance for Fanconi anemia. Last evaluated: 2025-03-04. Review status: no assertion criteria provided. Collection method: clinical testing. Allele origin: germline. Not counted in ClinVar's aggregate classification.

NM_000135.4(FANCA):c.47G>T (p.Gly16Val)

Genes: FANCA (FA complementation group A; minus strand), LOC112486223 (Sharpr-MPRA regulatory region 3988; plus strand). Cytogenetic location: 16q24.3.
Variant type: single nucleotide variant.
Coding change: c.47G>T on transcript NM_000135.4 (MANE Select); coding-DNA position 47, G replaced by T.
Protein change: p.Gly16Val; replaces glycine 16 with valine.
Molecular consequence: missense variant.
Genome position (GRCh38, 1-based): chr16:89,816,569, C>A on the plus strand (G>T on the coding strand, the complement: FANCA is on the minus strand). VCF-style: chr16-89816569-C-A. GRCh37 (hg19) VCF-style: chr16-89882977-C-A.
Other names: c.47G>T, p.Gly16Val (NM_001018112.3, NM_001286167.3, NM_001351830.2); c.47G>T (NM_000135.3); short protein forms G16V.
Identifiers: ClinVar variation 3848022 (VCV003848022.2).